The following is an entry in ClinVar:

NM_000051.4(ATM):c.5005+19C>G

Gene: ATM (ATM serine/threonine kinase; plus strand). Cytogenetic location: 11q22.3.
Variant type: single nucleotide variant.
Coding change: c.5005+19C>G on transcript NM_000051.4 (MANE Select); 19 bases into the intron after coding-DNA position 5005, C replaced by G.
Molecular consequence: intron variant.
Genome position (GRCh38, 1-based): chr11:108,297,401, C>G. VCF-style: chr11-108297401-C-G. GRCh37 (hg19) VCF-style: chr11-108168128-C-G.
Other names: c.5005+19C>G (NM_001351834.2).
Identifiers: ClinVar variation 420913 (VCV000420913.15), dbSNP rs1064794787, ClinGen allele CA16619191.

ClinVar aggregate classification (germline): Conflicting classifications of pathogenicity. Review status: criteria provided, conflicting classifications (1 of 4 stars). 4 submissions from 4 submitters: Uncertain significance (3); Likely benign (1). Last evaluated 2026-01-19.

Conditions:
ATM-related cancer predisposition. Also called: ATM-related cancer susceptibility. Identifiers: MedGen CN377759, MONDO:0700270.
Hereditary cancer-predisposing syndrome. Also called: Hereditary Cancer Syndrome; Tumor predisposition; Hereditary neoplastic syndrome; Neoplastic Syndromes, Hereditary. Identifiers: Orphanet 140162, MedGen C0027672, MeSH D009386, MONDO:0015356.
Ataxia-telangiectasia syndrome (AT). Also called: Cerebello-oculocutaneous telangiectasia; Immunodeficiency with ataxia telangiectasia; Ataxia-telangiectasia, complementation group D; ATAXIA-TELANGIECTASIA, COMPLEMENTATION GROUP A; ATAXIA-TELANGIECTASIA, FRESNO VARIANT; Ataxia telangiectasia (A-T). Identifiers: Orphanet 100, MedGen C0004135, MONDO:0008840, OMIM 208900.

Allele frequency attached by ClinVar (database versions not stated): gnomAD exomes below 0.00001; TOPMed below 0.00001.
gnomAD v4.1: 7 of 1,560,430 alleles (0.00045%); highest among the groups gnomAD compares: Admixed American, 0.0017%; no homozygotes.

Submissions (4):

Labcorp Genetics (formerly Invitae), Labcorp
Classification: Likely benign for Ataxia-telangiectasia syndrome. Last evaluated: 2026-01-19. Review status: criteria provided, single submitter. Criteria: Invitae Variant Classification Sherloc (09022015). Collection method: clinical testing. Allele origin: germline.

Dasa
Classification: Uncertain significance for ATM-related cancer predisposition. Last evaluated: 2025-11-30. Review status: criteria provided, single submitter. Criteria: DASA Assertion Criteria. Collection method: clinical testing. Allele origin: germline.
Comment: NM_000051.4(ATM):c.5005+19C>G is an intronic variant. This variant is rare in population databases. Computational prediction algorithms are consistent with a deleterious effect. The currently available literature and clinical evidence are not sufficient to establish a definitive association between this variant and the reported condition. Therefore, this variant is classified as a variant of uncertain significance.

Color Diagnostics, LLC DBA Color Health
Classification: Uncertain significance for Hereditary cancer-predisposing syndrome. Last evaluated: 2020-09-08. Review status: criteria provided, single submitter. Criteria: ACMG Guidelines, 2015. Collection method: clinical testing. Allele origin: germline.
Comment: This variant causes a C to G nucleotide substitution at the +19 position of intron 33 of the ATM gene. Splice site prediction tools predict that this variant may impact RNA splicing due to the creation of a new splice donor site. To our knowledge, this prediction has not been investigated in published RNA studies. This variant has not been reported in individuals affected with hereditary cancer in the literature. This variant has been identified in 1/249770 chromosomes in the general population by the Genome Aggregation Database (gnomAD). The available evidence is insufficient to determine the role of this variant in disease conclusively. Therefore, this variant is classified as a Variant of Uncertain Significance.

GeneDx
Classification: Uncertain significance. Last evaluated: 2017-07-21. Review status: criteria provided, single submitter. Criteria: GeneDx Variant Classification (06012015). Collection method: clinical testing. Allele origin: germline. Affected: yes.
Comment: This variant is denoted ATM c.5005+19C>G or IVS33+19C>G and consists of a C>G nucleotide substitution at the +19 position of intron 33 of the ATM gene. Multiple in silico models predict this variant to create a cryptic splice donor site and possibly causing abnormal gene splicing. However, in the absence of RNA or functional studies, the actual effect of this variant is unknown.? This variant has not, to our knowledge, been published in the literature as pathogenic or benign. ATM c.5005+19C>G was not observed in large population cohorts (NHLBI Exome Sequencing Project, The 1000 Genomes Consortium 2015, Lek 2016). The cytosine (C) nucleotide that is altered is not conserved. Based on currently available evidence, it is unclear whether ATM c.5005+19C>G is pathogenic or benign. We consider it to be a variant of uncertain significance.